The following is an entry in ClinVar:

NM_001204.7(BMPR2):c.2696G>A (p.Arg899Gln)

Gene: BMPR2 (bone morphogenetic protein receptor type 2; plus strand). Cytogenetic location: 2q33.2.
Variant type: single nucleotide variant.
Coding change: c.2696G>A on transcript NM_001204.7 (MANE Select); coding-DNA position 2696, G replaced by A.
Protein change: p.Arg899Gln; replaces arginine 899 with glutamine.
Molecular consequence: missense variant.
Genome position (GRCh38, 1-based): chr2:202,556,361, G>A. VCF-style: chr2-202556361-G-A. GRCh37 (hg19) VCF-style: chr2-203421084-G-A.
Other names: short protein forms R899Q.
Identifiers: ClinVar variation 2064751 (VCV002064751.5), dbSNP rs137852752, ClinGen allele CA2061571.

ClinVar aggregate classification (germline): Conflicting classifications of pathogenicity. Review status: criteria provided, conflicting classifications (1 of 4 stars). 2 submissions from 2 submitters: Uncertain significance (1); Benign (1). Last evaluated 2025-08-13.

Conditions:
Primary pulmonary hypertension. Also called: Idiopathic pulmonary hypertension. Identifiers: MedGen C0152171.
BMPR2-related disorder. Also called: BMPR2-related disorders; BMPR2-related condition.

Allele frequency attached by ClinVar (database versions not stated): 1000 Genomes Project 30x 0.00016; 1000 Genomes Project 0.00020; TOPMed 0.00022.
gnomAD v4.1: 43 of 1,614,102 alleles (0.0027%); highest among the groups gnomAD compares: African/African-American, 0.02%; no homozygotes.

Submissions (2):

PreventionGenetics, part of Exact Sciences
Classification: Uncertain significance for BMPR2-related condition. Last evaluated: 2025-08-13. Review status: criteria provided, single submitter. Criteria: ACMG Guidelines, 2015. Collection method: clinical testing. Allele origin: germline.
Comment: The BMPR2 c.2696G>A variant is predicted to result in the amino acid substitution p.Arg899Gln. To our knowledge, this variant has not been reported in the literature. Alternate nucleotide changes impacting the same amino acid position (p.Arg899Gly, p.Arg899Pro) have been reported in an individual from a healthy control population and in an individual with pulmonary arterial hypertension (supplementary table H, Tomar et al. 2022. PubMed ID: 35130036; Sankelo et al. 2005. PubMed ID: 15965979). This variant is reported in 0.024% of alleles in individuals of African descent in gnomAD. At this time, the clinical significance of this variant is uncertain due to the absence of conclusive functional and genetic evidence.

Labcorp Genetics (formerly Invitae), Labcorp
Classification: Benign for Primary pulmonary hypertension. Last evaluated: 2025-07-18. Review status: criteria provided, single submitter. Criteria: Invitae Variant Classification Sherloc (09022015). Collection method: clinical testing. Allele origin: germline.